The following is an entry in ClinVar:

ClinVar aggregate classification (germline): Uncertain significance (1 of 4 stars; one submission).

Conditions:
Tooth agenesis, selective, 3 (STHAG3). Also called: HYPODONTIA/OLIGODONTIA 3. Identifiers: Orphanet 99798, MedGen C1970291, MONDO:0011477, OMIM 604625. Disease mechanism: loss of function.

Submission:

Department of Prosthodontics, Peking University School and Hospital of Stomatology
Classification: Uncertain significance for Tooth agenesis, selective, 3. Last evaluated: 2022-02-10. Review status: criteria provided, single submitter. Criteria: ACMG Guidelines, 2015. Collection method: research. Allele origin: paternal. Inheritance: Autosomal dominant inheritance. Affected: yes. Observed: 1 heterozygote.

NM_001372076.1(PAX9):c.350T>G (p.Val117Gly)

Gene: PAX9 (paired box 9; plus strand). Cytogenetic location: 14q13.3.
Variant type: single nucleotide variant.
Coding change: c.350T>G on transcript NM_001372076.1 (MANE Select); coding-DNA position 350, T replaced by G.
Protein change: p.Val117Gly; replaces valine 117 with glycine.
Molecular consequence: missense variant.
Genome position (GRCh38, 1-based): chr14:36,663,242, T>G. VCF-style: chr14-36663242-T-G. GRCh37 (hg19) VCF-style: chr14-37132447-T-G.
Other names: c.350T>G, p.Val117Gly (NM_006194.4); short protein forms V117G.
Identifiers: ClinVar variation 1341363 (VCV001341363.2), dbSNP rs2139108314, ClinGen allele CA389466649.